The following is an entry in ClinVar:

ClinVar aggregate classification (germline): Uncertain significance (1 of 4 stars; one submission).

Allele frequency attached by ClinVar (database versions not stated): TOPMed below 0.00001; gnomAD 0.00001; ExAC 0.00002; gnomAD exomes 0.00003.
gnomAD v4.1: 53 of 1,613,906 alleles (0.0033%); highest among the groups gnomAD compares: East Asian, 0.0067%; no homozygotes.

Submission:

Labcorp Genetics (formerly Invitae), Labcorp
Classification: Uncertain significance. Last evaluated: 2024-03-19. Review status: criteria provided, single submitter. Criteria: Invitae Variant Classification Sherloc (09022015). Collection method: clinical testing. Allele origin: germline.
Comment: This sequence change replaces arginine, which is basic and polar, with histidine, which is basic and polar, at codon 160 of the MMP14 protein (p.Arg160His). This variant is present in population databases (rs769434703, gnomAD 0.009%). This variant has not been reported in the literature in individuals affected with MMP14-related conditions. ClinVar contains an entry for this variant (Variation ID: 1512738). Advanced modeling of protein sequence and biophysical properties (such as structural, functional, and spatial information, amino acid conservation, physicochemical variation, residue mobility, and thermodynamic stability) performed at Invitae indicates that this missense variant is not expected to disrupt MMP14 protein function with a negative predictive value of 80%. In summary, the available evidence is currently insufficient to determine the role of this variant in disease. Therefore, it has been classified as a Variant of Uncertain Significance.

NM_004995.4(MMP14):c.479G>A (p.Arg160His)

Gene: MMP14 (matrix metallopeptidase 14; plus strand). Cytogenetic location: 14q11.2.
Variant type: single nucleotide variant.
Coding change: c.479G>A on transcript NM_004995.4 (MANE Select); coding-DNA position 479, G replaced by A.
Protein change: p.Arg160His; replaces arginine 160 with histidine.
Molecular consequence: missense variant.
Genome position (GRCh38, 1-based): chr14:22,842,508, G>A. VCF-style: chr14-22842508-G-A. GRCh37 (hg19) VCF-style: chr14-23311717-G-A.
Other names: short protein forms R160H.
Identifiers: ClinVar variation 1512738 (VCV001512738.8), dbSNP rs769434703, ClinGen allele CA7105187.